The following is an entry in ClinVar:

ClinVar aggregate classification (germline): Uncertain significance (1 of 4 stars; one submission).

Submission:

Ambry Genetics
Classification: Uncertain significance. Last evaluated: 2022-07-27. Review status: criteria provided, single submitter. Criteria: Ambry Variant Classification Scheme 2023. Collection method: clinical testing. Allele origin: germline.
Comment: The p.T451P variant (also known as c.1351A>C), located in coding exon 12 of the RAD54L gene, results from an A to C substitution at nucleotide position 1351. The threonine at codon 451 is replaced by proline, an amino acid with highly similar properties. This amino acid position is conserved. In addition, this alteration is predicted to be deleterious by in silico analysis. Since supporting evidence is limited at this time, the clinical significance of this alteration remains unclear.

NM_003579.4(RAD54L):c.1351A>C (p.Thr451Pro)

Gene: RAD54L (RAD54 like; plus strand). Cytogenetic location: 1p34.1.
Variant type: single nucleotide variant.
Coding change: c.1351A>C on transcript NM_003579.4 (MANE Select); coding-DNA position 1351, A replaced by C.
Protein change: p.Thr451Pro; replaces threonine 451 with proline.
Molecular consequence: missense variant.
Genome position (GRCh38, 1-based): chr1:46,272,778, A>C. VCF-style: chr1-46272778-A-C. GRCh37 (hg19) VCF-style: chr1-46738450-A-C.
Other names: c.1351A>C, p.Thr451Pro (NM_001142548.2); c.811A>C, p.Thr271Pro (NM_001370766.1); short protein forms T271P, T451P.
Identifiers: ClinVar variation 1770607 (VCV001770607.2), dbSNP rs1660472260, ClinGen allele CA340179827.